The following is an entry in ClinVar:

ClinVar aggregate classification (germline): Uncertain significance (1 of 4 stars; one submission).

gnomAD v4.1: 24 of 1,613,562 alleles (0.0015%); highest among the groups gnomAD compares: African/African-American, 0.0067%; no homozygotes.

Submission:

GeneDx
Classification: Uncertain significance. Last evaluated: 2025-07-10. Review status: criteria provided, single submitter. Criteria: GeneDx Variant Classification Process June 2021. Collection method: clinical testing. Allele origin: germline. Affected: yes.
Comment: Not observed at significant frequency in large population cohorts (gnomAD); In silico analysis suggests that this missense variant does not alter protein structure/function; Has not been previously published as pathogenic or benign to our knowledge

NM_016239.4(MYO15A):c.3898G>A (p.Ala1300Thr)

Gene: MYO15A (myosin XVA; plus strand). Cytogenetic location: 17p11.2.
Variant type: single nucleotide variant.
Coding change: c.3898G>A on transcript NM_016239.4 (MANE Select); coding-DNA position 3898, G replaced by A.
Protein change: p.Ala1300Thr; replaces alanine 1300 with threonine.
Molecular consequence: missense variant.
Genome position (GRCh38, 1-based): chr17:18,126,822, G>A. VCF-style: chr17-18126822-G-A. GRCh37 (hg19) VCF-style: chr17-18030136-G-A.
Other names: short protein forms A1300T.
Identifiers: ClinVar variation 4685088 (VCV004685088.1).
Genomic context (GRCh38, chr17:18,126,822, plus strand): 5'-GGGCCAGCTCTAATGACCTGTCTCCCCAGGCACCTCTTTGCTGTTGCAAATCTCGCCTTC[G>A]CCAAAATGCTCGATGCCAAACAGAACCAGTGCATAATCATTAGGTGAGTGGGCTGCCTTT-3'
Protein context (NP_057323.3, residues 1290-1310): HLFAVANLAF[Ala1300Thr]KMLDAKQNQC